The following is an entry in ClinVar:

NM_015512.5(DNAH1):c.11077G>T (p.Glu3693Ter)

Gene: DNAH1 (dynein axonemal heavy chain 1; plus strand). Cytogenetic location: 3p21.1.
Variant type: single nucleotide variant.
Coding change: c.11077G>T on transcript NM_015512.5 (MANE Select); coding-DNA position 11077, G replaced by T.
Protein change: p.Glu3693Ter; replaces glutamic acid 3693 with a stop codon.
Molecular consequence: nonsense.
Genome position (GRCh38, 1-based): chr3:52,395,416, G>T. VCF-style: chr3-52395416-G-T. GRCh37 (hg19) VCF-style: chr3-52429432-G-T.
Other names: short protein forms E3693*.
Identifiers: ClinVar variation 4785511 (VCV004785511.1).
Genomic context (GRCh38, chr3:52,395,416, plus strand): 5'-CTCATCTTTGTGCTGTCACCCGGCACAGACCCTGCTGCCGACCTCTACAAGTTTGCCGAA[G>T]AAATGAAGTTCTCCAAAAAGCTCTCTGCCATCTCCCTGGGCCAGGGGCAGGTCAGGGCTA-3'

ClinVar aggregate classification (germline): Pathogenic (1 of 4 stars; one submission).

Conditions:
Spermatogenic failure 18. Identifiers: MedGen C4539783, MONDO:0054615, OMIM 617576.
Ciliary dyskinesia, primary, 37 (CILD37). Also called: CILIARY DYSKINESIA, PRIMARY, 37, WITH OR WITHOUT SITUS INVERSUS. Identifiers: MedGen C4539798, MONDO:0033204, OMIM 617577.

Submission:

Labcorp Genetics (formerly Invitae), Labcorp
Classification: Pathogenic for Ciliary dyskinesia, primary, 37; Spermatogenic failure 18. Last evaluated: 2025-07-13. Review status: criteria provided, single submitter. Criteria: Invitae Variant Classification Sherloc (09022015). Collection method: clinical testing. Allele origin: germline.
Comment: This sequence change creates a premature translational stop signal (p.Glu3693*) in the DNAH1 gene. It is expected to result in an absent or disrupted protein product. Loss-of-function variants in DNAH1 are known to be pathogenic (PMID: 27573432, 27798045). This variant is not present in population databases (gnomAD no frequency). This variant has not been reported in the literature in individuals affected with DNAH1-related conditions. For these reasons, this variant has been classified as Pathogenic.

Literature cited by the submitters: PubMed 27573432; PubMed 27798045.